The following is an entry in ClinVar:

ClinVar aggregate classification (germline): Uncertain significance (1 of 4 stars; one submission).

Conditions:
Diamond-Blackfan anemia 10 (DBA10). Also called: RPS26-Related Diamond-Blackfan Anemia. Identifiers: Orphanet 124, MedGen C2750080, MONDO:0013217, OMIM 613309.

Submission:

Labcorp Genetics (formerly Invitae), Labcorp
Classification: Uncertain significance for Diamond-Blackfan anemia 10. Last evaluated: 2025-03-10. Review status: criteria provided, single submitter. Criteria: Invitae Variant Classification Sherloc (09022015). Collection method: clinical testing. Allele origin: germline.
Comment: This sequence change replaces lysine, which is basic and polar, with threonine, which is neutral and polar, at codon 32 of the RPS26 protein (p.Lys32Thr). This variant is not present in population databases (gnomAD no frequency). This variant has not been reported in the literature in individuals affected with RPS26-related conditions. ClinVar contains an entry for this variant (Variation ID: 2732579). An algorithm developed to predict the effect of missense changes on protein structure and function (PolyPhen-2) suggests that this variant is likely to be disruptive. In summary, the available evidence is currently insufficient to determine the role of this variant in disease. Therefore, it has been classified as a Variant of Uncertain Significance.

NM_001029.5(RPS26):c.95A>C (p.Lys32Thr)

Gene: RPS26 (ribosomal protein S26; plus strand). Cytogenetic location: 12q13.2.
Variant type: single nucleotide variant.
Coding change: c.95A>C on transcript NM_001029.5 (MANE Select); coding-DNA position 95, A replaced by C.
Protein change: p.Lys32Thr; replaces lysine 32 with threonine.
Molecular consequence: missense variant.
Genome position (GRCh38, 1-based): chr12:56,042,516, A>C. VCF-style: chr12-56042516-A-C. GRCh37 (hg19) VCF-style: chr12-56436300-A-C.
Other names: short protein forms K32T.
Identifiers: ClinVar variation 2732579 (VCV002732579.3), dbSNP rs2540722844, ClinGen allele CA385326453.
Genomic context (GRCh38, chr12:56,042,516, plus strand): 5'-AAAAGGGCCGCGGCCACGTGCAGCCTATTCGCTGCACTAACTGTGCCCGATGCGTGCCCA[A>C]GGACAAGGCCATTAAGAAATTCGTCATTCGAAACATAGTGGAGGCCGCAGCAGTCAGGGA-3'
Protein context (NP_001020.2, residues 22-42): RCTNCARCVP[Lys32Thr]DKAIKKFVIR